The following is an entry in ClinVar:

NM_017780.4(CHD7):c.5824C>T (p.Arg1942Trp)

Gene: CHD7 (chromodomain helicase DNA binding protein 7; plus strand). Cytogenetic location: 8q12.2.
Variant type: single nucleotide variant.
Coding change: c.5824C>T on transcript NM_017780.4 (MANE Select); coding-DNA position 5824, C replaced by T.
Protein change: p.Arg1942Trp; replaces arginine 1942 with tryptophan.
Molecular consequence: missense variant. On other transcripts: intron variant (1).
Genome position (GRCh38, 1-based): chr8:60,852,177, C>T. VCF-style: chr8-60852177-C-T. GRCh37 (hg19) VCF-style: chr8-61764736-C-T.
Other names: c.1717-10052C>T (NM_001316690.1); short protein forms R1942W.
Identifiers: ClinVar variation 529141 (VCV000529141.50), dbSNP rs200441929, ClinGen allele CA4760468.

ClinVar aggregate classification (germline): Conflicting classifications of pathogenicity. Review status: criteria provided, conflicting classifications (1 of 4 stars). 8 submissions from 8 submitters: Uncertain significance (6); Benign (1). 1 of the submissions does not count toward it. Last evaluated 2026-06-17.

Conditions:
CHD7-related disorder. Also called: CHD7-related condition.
Amenorrhea. Identifiers: MedGen C0002453, MONDO:0001836, HP:0000141.
Inborn genetic diseases. Identifiers: MedGen C0950123, MeSH D030342.
Hypogonadotropic hypogonadism 5 with or without anosmia (KAL5). Also called: HYPOGONADOTROPIC HYPOGONADISM 5 WITH ANOSMIA; HYPOGONADOTROPHIC HYPOGONADISM 5 WITHOUT ANOSMIA; CHD7-Related GnRH Deficiency (Kallmann Syndrome 5). Identifiers: Orphanet 478, MedGen C3552553, MONDO:0012880, OMIM 612370. Disease mechanism: loss of function.
CHARGE syndrome (CHARGE). Also called: Hittner Hirsch Kreh syndrome; Coloboma, heart anomaly, choanal atresia, retardation, genital and ear anomalies; CHARGE association; Hall-Hittner syndrome; CHARGE ASSOCIATION--COLOBOMA, HEART ANOMALY, CHOANAL ATRESIA, RETARDATION, GENITAL AND EAR ANOMALIES. Identifiers: Orphanet 138, MedGen C0265354, MONDO:0008965.

Allele frequency attached by ClinVar (database versions not stated): ExAC 0.00003; gnomAD 0.00003; TOPMed 0.00004.
gnomAD v4.1: 87 of 1,613,750 alleles (0.0054%); highest among the groups gnomAD compares: Non-Finnish European, 0.0065%; no homozygotes.

Submissions (8):

PreventionGenetics, part of Exact Sciences
Classification: Uncertain significance for CHD7-related condition. Last evaluated: 2026-06-17. Review status: criteria provided, single submitter. Criteria: ACMG Guidelines, 2015. Collection method: clinical testing. Allele origin: germline.
Comment: The CHD7 c.5824C>T variant is predicted to result in the amino acid substitution p.Arg1942Trp. This variant was reported in an individual with hypothalamic amenorrhoea (Delaney et al. 2021. PubMed ID: 32870266). This variant is reported in 0.020% of alleles in individuals of Ashkenazi Jewish descent in gnomAD. Although we suspect that this variant may be benign, at this time, the clinical significance of this variant is uncertain due to the absence of conclusive functional and genetic evidence.

Labcorp Genetics (formerly Invitae), Labcorp
Classification: Benign for CHARGE syndrome. Last evaluated: 2025-11-15. Review status: criteria provided, single submitter. Criteria: Invitae Variant Classification Sherloc (09022015). Collection method: clinical testing. Allele origin: germline.

Fulgent Genetics
Classification: Uncertain significance for CHD7-related CHARGE syndrome; Hypogonadotropic hypogonadism 5 with or without anosmia. Last evaluated: 2024-04-01. Review status: criteria provided, single submitter. Criteria: ACMG Guidelines, 2015. Collection method: clinical testing. Allele origin: germline.

CeGaT Center for Human Genetics Tuebingen
Classification: Uncertain significance. Last evaluated: 2023-02-01. Review status: criteria provided, single submitter. Criteria: CeGaT Center For Human Genetics Tuebingen Variant Classification Criteria Version 2. Collection method: clinical testing. Allele origin: germline. Affected: yes. Observed: 1 variant allele.
Comment: CHD7: PP3

Victorian Clinical Genetics Services, Murdoch Childrens Research Institute
Classification: Uncertain significance for CHARGE syndrome. Last evaluated: 2020-05-25. Review status: criteria provided, single submitter. Criteria: ACMG Guidelines, 2015. Collection method: clinical testing. Allele origin: germline. Inheritance: Autosomal dominant inheritance. Affected: yes.
Comment: Based on the classification scheme VCGS_Germline_v1.1.1, this variant is classified as a 3C-VUS. Following criteria are met: 0102 - Loss-of-function is a known mechanism of disease for this gene. (N) 0107 - This gene is known to be associated with autosomal dominant disease. (N) 0200 - Variant is predicted to result in a missense amino acid change from arginine to tryptophan, exon 29. (N) 0251 - Variant is heterozygous. (N) 0302 - Variant is present in gnomAD <0.001 for a dominant condition. Overall frequency: 0.003%, 8 Het, 0 Hom (subpopulation Ashkenazi Jewish: 0.02%, 2 Het). (P) 0309 - An alternative amino acid change at the same position has been observed in gnomAD: p.(Arg1942Gln) (0.0008%, 1 het). Note: other changes also seen in the surrounding arginine residues, a string of five arginine residues . (N) 0502 - Missense variant with conflicting in silico predictions and/or uninformative conservation. Only 1/4 in silico analyses damaging, glycine observed in sheep no changes in mammals and major amino acid change. (N) 0603 - Missense variant in a region that is highly intolerant to missense variation (high constraint region) (P) 0705 - No comparable variants have previous evidence for pathogenicity. (N) 0804 - Variant is absent in the population / or present in the population at <0.001 and has previously been described as variant of uncertain significance in multiple independent cases with consistent phenotype. ClinVar: 3x submitted as a VUS (1x Neurodevelopmental disorder, 1x CHARGE, 1x Not provided). (N) 0905 - No segregation evidence has been identified for this variant. (N) 1007 - No published functional evidence has been identified for this variant. (N) 1208 - Inheritance information for this variant is not currently available. (N) Legend: (P) - Pathogenic, (N) - Neutral, (B) - Benign

Ambry Genetics
Classification: Uncertain significance for Inborn genetic diseases. Last evaluated: 2018-08-26. Review status: criteria provided, single submitter. Criteria: Ambry Variant Classification Scheme 2023. Collection method: clinical testing. Allele origin: germline.
Comment: The p.R1942W variant (also known as c.5824C>T), located in coding exon 28 of the CHD7 gene, results from a C to T substitution at nucleotide position 5824. The arginine at codon 1942 is replaced by tryptophan, an amino acid with dissimilar properties. This amino acid position is highly conserved in available vertebrate species. In addition, the in silico prediction for this alteration is inconclusive. Based on available evidence to date, the clinical significance of this variant remains unclear.

Eurofins Ntd Llc (ga)
Classification: Uncertain significance. Last evaluated: 2017-09-14. Review status: criteria provided, single submitter. Criteria: EGL Classification Definitions 2015. Collection method: clinical testing. Allele origin: germline. Observed: 1 variant allele, 1 heterozygote.

Yale Center for Mendelian Genomics, Yale University
Classification: Uncertain significance for Amenorrhea. Last evaluated: 2021-03-08. Review status: no assertion criteria provided. Collection method: literature only. Allele origin: unknown. Affected: yes. Observed: 1 heterozygote. Study: Yale Center for Mendelian Genomics. Not counted in ClinVar's aggregate classification.

Literature cited by the submitters: PubMed 32870266 (cited by Yale Center for Mendelian Genomics, Yale University).